The following is an entry in ClinVar:

NM_152305.3(POGLUT1):c.395G>C (p.Arg132Pro)

Gene: POGLUT1 (protein O-glucosyltransferase 1; plus strand). Cytogenetic location: 3q13.33.
Variant type: single nucleotide variant.
Coding change: c.395G>C on transcript NM_152305.3 (MANE Select); coding-DNA position 395, G replaced by C.
Protein change: p.Arg132Pro; replaces arginine 132 with proline.
Molecular consequence: missense variant. On other transcripts: non-coding transcript variant (1).
Genome position (GRCh38, 1-based): chr3:119,477,387, G>C. VCF-style: chr3-119477387-G-C. GRCh37 (hg19) VCF-style: chr3-119196234-G-C.
Other names: c.395G>C (NM_152305.2); short protein forms R132P.
Identifiers: ClinVar variation 3710814 (VCV003710814.3).

ClinVar aggregate classification (germline): Uncertain significance. Review status: criteria provided, multiple submitters, no conflicts (2 of 4 stars). 2 submissions from 2 submitters: Uncertain significance (2). Last evaluated 2025-06-14.

gnomAD v4.1: 1 of 1,614,128 alleles (0.000062%); highest among the groups gnomAD compares: Non-Finnish European, 0.000085%; no homozygotes.

Submissions (2):

GeneDx
Classification: Uncertain significance. Last evaluated: 2025-06-14. Review status: criteria provided, single submitter. Criteria: GeneDx Variant Classification Process June 2021. Collection method: clinical testing. Allele origin: germline. Affected: yes.
Comment: Not observed at significant frequency in large population cohorts (gnomAD); In silico analysis supports that this missense variant has a deleterious effect on protein structure/function; Has not been previously published as pathogenic or benign to our knowledge

Labcorp Genetics (formerly Invitae), Labcorp
Classification: Uncertain significance. Last evaluated: 2025-02-20. Review status: criteria provided, single submitter. Criteria: Invitae Variant Classification Sherloc (09022015). Collection method: clinical testing. Allele origin: germline.
Comment: This sequence change replaces arginine, which is basic and polar, with proline, which is neutral and non-polar, at codon 132 of the POGLUT1 protein (p.Arg132Pro). This variant is not present in population databases (gnomAD no frequency). This variant has not been reported in the literature in individuals affected with POGLUT1-related conditions. Invitae Evidence Modeling of protein sequence and biophysical properties (such as structural, functional, and spatial information, amino acid conservation, physicochemical variation, residue mobility, and thermodynamic stability) indicates that this missense variant is expected to disrupt POGLUT1 protein function with a positive predictive value of 80%. In summary, the available evidence is currently insufficient to determine the role of this variant in disease. Therefore, it has been classified as a Variant of Uncertain Significance.